The following is an entry in ClinVar:

NM_015443.4(KANSL1):c.477G>T (p.Lys159Asn)

Gene: KANSL1 (KAT8 regulatory NSL complex subunit 1). Cytogenetic location: 17q21.31.
Variant type: single nucleotide variant.
Coding change: c.477G>T on transcript NM_015443.4 (MANE Select); coding-DNA position 477, G replaced by T.
Protein change: p.Lys159Asn; replaces lysine 159 with asparagine.
Molecular consequence: missense variant.
Genome position (GRCh38, 1-based): chr17:46,171,667, C>A on the plus strand (G>T on the coding strand, the complement: KANSL1 is on the minus strand). VCF-style: chr17-46171667-C-A. GRCh37 (hg19) VCF-style: chr17-44249033-C-A.
Other names: p.K159N:AAG>AAT; c.477G>T, p.Lys159Asn (NM_001193465.2, NM_001193466.2, NM_001379198.1); short protein forms K159N.
Identifiers: ClinVar variation 205767 (VCV000205767.35), dbSNP rs188294801, ClinGen allele CA315160.
Genomic context (GRCh38, chr17:46,171,667, plus strand): 5'-TCCCCCATTGAGGGAAGTGGAATTGTCATGATCAGAATGTGTTGAACTTTTAGTCAATTT[C>A]TTAGCCAACCCATTTACAGGTGCTTGTGGCAGAGCTGTCTGACCACTCGTATTCATGGTT-3'
Protein context (NP_056258.1, residues 149-169): LPQAPVNGLA[Lys159Asn]KLTKSSTHSD

ClinVar aggregate classification (germline): Benign/Likely benign. Review status: criteria provided, multiple submitters, no conflicts (2 of 4 stars). 4 submissions from 4 submitters: Benign (1); Likely benign (3). Last evaluated 2025-09-01.

Conditions:
Koolen-de Vries syndrome (KDVS). Identifiers: Orphanet 96169, MedGen C1864871, MONDO:0012496, OMIM 610443.

Allele frequency attached by ClinVar (database versions not stated): ESP Exome Variant Server 0.00008; gnomAD 0.00011 and 0.00013; gnomAD exomes 0.00011 and 0.00016; ExAC 0.00015; 1000 Genomes Project 30x 0.00031; 1000 Genomes Project 0.00040.
gnomAD v4.1: 171 of 1,551,928 alleles (0.011%); highest among the groups gnomAD compares: Non-Finnish European, 0.012%; no homozygotes.

Submissions (4):

CeGaT Center for Human Genetics Tuebingen
Classification: Likely benign. Last evaluated: 2025-09-01. Review status: criteria provided, single submitter. Criteria: CeGaT Center For Human Genetics Tuebingen Variant Classification Criteria Version 2. Collection method: clinical testing. Allele origin: germline. Affected: yes. Observed: 4 variant alleles.
Comment: KANSL1: BP1, BS2

Labcorp Genetics (formerly Invitae), Labcorp
Classification: Benign for Koolen-de Vries syndrome. Last evaluated: 2023-11-27. Review status: criteria provided, single submitter. Criteria: Invitae Variant Classification Sherloc (09022015). Collection method: clinical testing. Allele origin: germline.

Athena Diagnostics
Classification: Likely benign. Last evaluated: 2020-04-03. Review status: criteria provided, single submitter. Criteria: Athena Diagnostics Criteria. Collection method: clinical testing. Allele origin: unknown.

GeneDx
Classification: Likely benign. Last evaluated: 2017-10-09. Review status: criteria provided, single submitter. Criteria: GeneDx Variant Classification (06012015). Collection method: clinical testing. Allele origin: germline. Affected: yes.
Comment: This variant is considered likely benign or benign based on one or more of the following criteria: it is a conservative change, it occurs at a poorly conserved position in the protein, it is predicted to be benign by multiple in silico algorithms, and/or has population frequency not consistent with disease.